The following is an entry in ClinVar:

NM_001145809.2(MYH14):c.3881T>C (p.Leu1294Pro)

Gene: MYH14 (myosin heavy chain 14; plus strand). Cytogenetic location: 19q13.33.
Variant type: single nucleotide variant.
Coding change: c.3881T>C on transcript NM_001145809.2 (MANE Select); coding-DNA position 3881, T replaced by C.
Protein change: p.Leu1294Pro; replaces leucine 1294 with proline.
Molecular consequence: missense variant.
Genome position (GRCh38, 1-based): chr19:50,278,138, T>C. VCF-style: chr19-50278138-T-C. GRCh37 (hg19) VCF-style: chr19-50781395-T-C.
Other names: c.3782T>C, p.Leu1261Pro (NM_001077186.2); c.3758T>C, p.Leu1253Pro (NM_024729.4); short protein forms L1261P, L1294P, L1253P.
Identifiers: ClinVar variation 2804279 (VCV002804279.3), dbSNP rs1212450527, ClinGen allele CA406956431.

ClinVar aggregate classification (germline): Uncertain significance (1 of 4 stars; one submission).

gnomAD v4.1: 1 of 1,605,196 alleles (0.000062%); no homozygotes.

Submission:

Labcorp Genetics (formerly Invitae), Labcorp
Classification: Uncertain significance. Last evaluated: 2022-11-08. Review status: criteria provided, single submitter. Criteria: Invitae Variant Classification Sherloc (09022015). Collection method: clinical testing. Allele origin: germline.
Comment: This sequence change replaces leucine, which is neutral and non-polar, with proline, which is neutral and non-polar, at codon 1253 of the MYH14 protein (p.Leu1253Pro). This variant is present in population databases (no rsID available, gnomAD 0.003%). This variant has not been reported in the literature in individuals affected with MYH14-related conditions. Advanced modeling of protein sequence and biophysical properties (such as structural, functional, and spatial information, amino acid conservation, physicochemical variation, residue mobility, and thermodynamic stability) performed at Invitae indicates that this missense variant is expected to disrupt MYH14 protein function. In summary, the available evidence is currently insufficient to determine the role of this variant in disease. Therefore, it has been classified as a Variant of Uncertain Significance.